The following is an entry in ClinVar:

ClinVar aggregate classification (germline): Pathogenic/Likely pathogenic. Review status: criteria provided, multiple submitters, no conflicts (2 of 4 stars). 2 submissions from 2 submitters: Pathogenic (1); Likely pathogenic (1). Last evaluated 2022-09-03.

Conditions:
ADGRV1-related disorder. Also called: ADGRV1-related disorders; ADGRV1-related condition.

Allele frequency attached by ClinVar (database versions not stated): gnomAD exomes below 0.00001; gnomAD 0.00001.

Submissions (2):

Labcorp Genetics (formerly Invitae), Labcorp
Classification: Pathogenic. Last evaluated: 2022-09-03. Review status: criteria provided, single submitter. Criteria: Invitae Variant Classification Sherloc (09022015). Collection method: clinical testing. Allele origin: germline.
Comment: This variant has not been reported in the literature in individuals affected with ADGRV1-related conditions. For these reasons, this variant has been classified as Pathogenic. ClinVar contains an entry for this variant (Variation ID: 954509). This variant is present in population databases (no rsID available, gnomAD 0.001%). This sequence change creates a premature translational stop signal (p.Gln5375Glufs*27) in the ADGRV1 gene. It is expected to result in an absent or disrupted protein product. Loss-of-function variants in ADGRV1 are known to be pathogenic (PMID: 19357117, 22135276, 22147658, 26226137, 30718709, 31047384, 32467589).

Blueprint Genetics
Classification: Likely pathogenic for ADGRV1-related disorders. Last evaluated: 2022-03-07. Review status: criteria provided, single submitter. Criteria: ACMG Guidelines, 2015. Collection method: clinical testing. Allele origin: germline. Affected: yes. Observed: 1 variant allele.

Literature cited by the submitters: PubMed 19357117 (cited by Labcorp Genetics (formerly Invitae), Labcorp); PubMed 22135276 (cited by Labcorp Genetics (formerly Invitae), Labcorp); PubMed 22147658 (cited by Labcorp Genetics (formerly Invitae), Labcorp); PubMed 26226137 (cited by Labcorp Genetics (formerly Invitae), Labcorp); PubMed 30718709 (cited by Labcorp Genetics (formerly Invitae), Labcorp); PubMed 31047384 (cited by Labcorp Genetics (formerly Invitae), Labcorp); PubMed 32467589 (cited by Labcorp Genetics (formerly Invitae), Labcorp).

NM_032119.4(ADGRV1):c.16123_16124del (p.Gln5375fs)

Gene: ADGRV1 (adhesion G protein-coupled receptor V1; plus strand). Cytogenetic location: 5q14.3.
Variant type: Deletion.
Coding change: c.16123_16124del on transcript NM_032119.4 (MANE Select); coding-DNA positions 16123 to 16124, 2 bases deleted (CA; older notation c.16123_16124delCA).
Protein change: p.Gln5375fs; shifts the reading frame from glutamine 5375.
Molecular consequence: frameshift variant. On other transcripts: non-coding transcript variant (1).
Genome position (GRCh38, 1-based): chr5:90,815,663-90,815,664, CA deleted. VCF-style (leftmost placement, unchanged base first): chr5-90815662-CCA-C. GRCh37 (hg19) VCF-style: chr5-90111479-CCA-C.
Other names: short protein forms Q5375fs.
Identifiers: ClinVar variation 954509 (VCV000954509.8), dbSNP rs1190343247, ClinGen allele CA560912395.
Genomic context (GRCh38, chr5:90,815,662, plus strand): 5'-TCCATTCTTTTTTTCAGGGAGTGACCTTCACAATGGCATCATAGGATTCAGTGAGGAGTC[CCA>C]GAGTGGACTAGAACTCAGGGAAGGAGCTGTTATGAGAAGATTGCACCTTATTGTCACAAG-3'